The following is an entry in ClinVar:

NM_145698.5(ACBD5):c.1353G>A (p.Met451Ile)

Gene: ACBD5 (acyl-CoA binding domain containing 5; minus strand). Cytogenetic location: 10p12.1.
Variant type: single nucleotide variant.
Coding change: c.1353G>A on transcript NM_145698.5 (MANE Select); coding-DNA position 1353, G replaced by A.
Protein change: p.Met451Ile; replaces methionine 451 with isoleucine.
Molecular consequence: missense variant.
Genome position (GRCh38, 1-based): chr10:27,208,297, C>T on the plus strand (G>A on the coding strand, the complement: ACBD5 is on the minus strand). VCF-style: chr10-27208297-C-T. GRCh37 (hg19) VCF-style: chr10-27497226-C-T.
Other names: c.1248G>A, p.Met416Ile (NM_001042473.4, NM_001352577.2, NM_001352578.2 and 1 more transcripts); c.1347G>A, p.Met449Ile (NM_001271512.3); c.1026G>A, p.Met342Ile (NM_001301251.2, NM_001301252.2, NM_001301253.2 and 2 more transcripts); c.822G>A, p.Met274Ile (NM_001301254.2); c.1407G>A, p.Met469Ile (NM_001352568.1); c.1386G>A, p.Met462Ile (NM_001352569.1); c.1353G>A, p.Met451Ile (NM_001352570.1); c.1380G>A, p.Met460Ile (NM_001352571.1); and 10 more; short protein forms M274I, M353I, M444I, M449I, M381I, M383I, M392I, M462I.
Identifiers: ClinVar variation 2115890 (VCV002115890.4), dbSNP rs2540514069, ClinGen allele CA376373148.

ClinVar aggregate classification (germline): Uncertain significance (1 of 4 stars; one submission).

Submission:

Labcorp Genetics (formerly Invitae), Labcorp
Classification: Uncertain significance. Last evaluated: 2024-11-05. Review status: criteria provided, single submitter. Criteria: Invitae Variant Classification Sherloc (09022015). Collection method: clinical testing. Allele origin: germline.
Comment: This sequence change replaces methionine, which is neutral and non-polar, with isoleucine, which is neutral and non-polar, at codon 451 of the ACBD5 protein (p.Met451Ile). This variant is not present in population databases (gnomAD no frequency). This variant has not been reported in the literature in individuals affected with ACBD5-related conditions. ClinVar contains an entry for this variant (Variation ID: 2115890). Invitae Evidence Modeling of protein sequence and biophysical properties (such as structural, functional, and spatial information, amino acid conservation, physicochemical variation, residue mobility, and thermodynamic stability) indicates that this missense variant is not expected to disrupt ACBD5 protein function with a negative predictive value of 80%. In summary, the available evidence is currently insufficient to determine the role of this variant in disease. Therefore, it has been classified as a Variant of Uncertain Significance.